The following is an entry in ClinVar:

ClinVar aggregate classification (germline): Uncertain significance. Review status: criteria provided, multiple submitters, no conflicts (2 of 4 stars). 2 submissions from 2 submitters: Uncertain significance (2). Last evaluated 2025-05-11.

Allele frequency attached by ClinVar (database versions not stated): ExAC 0.00003; gnomAD 0.00002; gnomAD exomes 0.00002; TOPMed 0.00003; ESP Exome Variant Server 0.00008.
gnomAD v4.1: 37 of 1,609,010 alleles (0.0023%); highest among the groups gnomAD compares: African/African-American, 0.0027%; no homozygotes.

Submissions (2):

Labcorp Genetics (formerly Invitae), Labcorp
Classification: Uncertain significance. Last evaluated: 2025-05-11. Review status: criteria provided, single submitter. Criteria: Invitae Variant Classification Sherloc (09022015). Collection method: clinical testing. Allele origin: germline.
Comment: This sequence change replaces arginine, which is basic and polar, with tryptophan, which is neutral and slightly polar, at codon 532 of the TAOK2 protein (p.Arg532Trp). This variant is present in population databases (rs373048486, gnomAD 0.01%). This variant has not been reported in the literature in individuals affected with TAOK2-related conditions. ClinVar contains an entry for this variant (Variation ID: 2919572). An algorithm developed to predict the effect of missense changes on protein structure and function (PolyPhen-2) suggests that this variant is likely to be disruptive. In summary, the available evidence is currently insufficient to determine the role of this variant in disease. Therefore, it has been classified as a Variant of Uncertain Significance.

Ambry Genetics
Classification: Uncertain significance. Last evaluated: 2024-10-19. Review status: criteria provided, single submitter. Criteria: Ambry Variant Classification Scheme 2023. Collection method: clinical testing. Allele origin: germline.

NM_016151.4(TAOK2):c.1594C>T (p.Arg532Trp)

Gene: TAOK2 (TAO kinase 2; plus strand). Cytogenetic location: 16p11.2.
Variant type: single nucleotide variant.
Coding change: c.1594C>T on transcript NM_016151.4 (MANE Select); coding-DNA position 1594, C replaced by T.
Protein change: p.Arg532Trp; replaces arginine 532 with tryptophan.
Molecular consequence: missense variant.
Genome position (GRCh38, 1-based): chr16:29,985,384, C>T. VCF-style: chr16-29985384-C-T. GRCh37 (hg19) VCF-style: chr16-29996705-C-T.
Other names: c.1594C>T, p.Arg532Trp (NM_001252043.2, NM_004783.4); c.1594C>T (NM_016151.2); short protein forms R532W.
Identifiers: ClinVar variation 2919572 (VCV002919572.4), dbSNP rs373048486, ClinGen allele CA7998175.
Genomic context (GRCh38, chr16:29,985,384, plus strand): 5'-CGGCTGAGGGGTGAACGGGAGGAGCACAGTGCACGGCTGCAGCGGGAGCTTGAGGCGCAG[C>T]GGGCTGGCTTTGGGGCAGAGGCAGAAAAGCTGGCCCGGCGGCACCAGGCCATAGGTGAGA-3'
Protein context (NP_057235.2, residues 522-542): ARLQRELEAQ[Arg532Trp]AGFGAEAEKL